The following is an entry in ClinVar:

NM_005633.4(SOS1):c.3318T>G (p.Asp1106Glu)

Gene: SOS1 (SOS Ras/Rac guanine nucleotide exchange factor 1; minus strand). Cytogenetic location: 2p22.1.
Variant type: single nucleotide variant.
Coding change: c.3318T>G on transcript NM_005633.4 (MANE Select); coding-DNA position 3318, T replaced by G.
Protein change: p.Asp1106Glu; replaces aspartic acid 1106 with glutamic acid.
Molecular consequence: missense variant.
Genome position (GRCh38, 1-based): chr2:38,995,151, A>C on the plus strand (T>G on the coding strand, the complement: SOS1 is on the minus strand). VCF-style: chr2-38995151-A-C. GRCh37 (hg19) VCF-style: chr2-39222292-A-C.
Other names: c.3297T>G, p.Asp1099Glu (NM_001382394.1); c.3318T>G, p.Asp1106Glu (NM_001382395.1); short protein forms D1099E, D1106E.
Identifiers: ClinVar variation 2872861 (VCV002872861.3), dbSNP rs1668849810, ClinGen allele CA346360341.

ClinVar aggregate classification (germline): Uncertain significance (1 of 4 stars; one submission).

Conditions:
RASopathy. Also called: rasopathies; Noonan spectrum disorder. Identifiers: Orphanet 536391, MedGen C5555857, MONDO:0021060.

Submission:

Labcorp Genetics (formerly Invitae), Labcorp
Classification: Uncertain significance for RASopathy. Last evaluated: 2024-04-15. Review status: criteria provided, single submitter. Criteria: Invitae Variant Classification Sherloc (09022015). Collection method: clinical testing. Allele origin: germline.
Comment: This sequence change replaces aspartic acid, which is acidic and polar, with glutamic acid, which is acidic and polar, at codon 1106 of the SOS1 protein (p.Asp1106Glu). This variant is not present in population databases (gnomAD no frequency). This variant has not been reported in the literature in individuals affected with SOS1-related conditions. Advanced modeling of protein sequence and biophysical properties (such as structural, functional, and spatial information, amino acid conservation, physicochemical variation, residue mobility, and thermodynamic stability) has been performed at Invitae for this missense variant, however the output from this modeling did not meet the statistical confidence thresholds required to predict the impact of this variant on SOS1 protein function. In summary, the available evidence is currently insufficient to determine the role of this variant in disease. Therefore, it has been classified as a Variant of Uncertain Significance.